The following is an entry in ClinVar:

ClinVar aggregate classification (germline): Conflicting classifications of pathogenicity. Review status: criteria provided, conflicting classifications (1 of 4 stars). 5 submissions from 5 submitters: Uncertain significance (3); Likely benign (2). Last evaluated 2025-05-09.

Conditions:
Cerebellar atrophy with seizures and variable developmental delay. Identifiers: MedGen C5193132, MONDO:0032788, OMIM 618501.
Inborn genetic diseases. Identifiers: MedGen C0950123, MeSH D030342.
Developmental and epileptic encephalopathy. Identifiers: MedGen C5779964, MONDO:0100620.

Allele frequency attached by ClinVar (database versions not stated): ESP Exome Variant Server 0.00008; gnomAD exomes 0.00023 and 0.00038; gnomAD 0.00026 and 0.00029; TOPMed 0.00026; ExAC 0.00037; 1000 Genomes Project 0.00060; 1000 Genomes Project 30x 0.00094.
gnomAD v4.1: 388 of 1,613,816 alleles (0.024%); highest among the groups gnomAD compares: Middle Eastern, 0.099%; no homozygotes.

Submissions (5):

Athena Diagnostics
Classification: Likely benign. Last evaluated: 2025-05-09. Review status: criteria provided, single submitter. Criteria: Athena Diagnostics Criteria. Collection method: clinical testing. Allele origin: unknown.
Comment: The frequency of this variant in the general population is higher than would generally be expected for pathogenic variants in this gene.

3billion
Classification: Likely benign for Cerebellar atrophy with seizures and variable developmental delay. Last evaluated: 2024-09-20. Review status: criteria provided, single submitter. Criteria: ACMG Guidelines, 2015. Collection method: clinical testing. Allele origin: germline. Affected: no.
Comment: The homozygous variant was found in patients diagnosed with another variant in a different gene, with no symptoms related to the gene containing the homozygous variant.

Ambry Genetics
Classification: Uncertain significance for Inborn genetic diseases. Last evaluated: 2024-04-05. Review status: criteria provided, single submitter. Criteria: Ambry Variant Classification Scheme 2023. Collection method: clinical testing. Allele origin: germline.

Labcorp Genetics (formerly Invitae), Labcorp
Classification: Uncertain significance for Early-infantile DEE. Last evaluated: 2022-10-25. Review status: criteria provided, single submitter. Criteria: Invitae Variant Classification Sherloc (09022015). Collection method: clinical testing. Allele origin: germline.
Comment: This sequence change replaces glutamine, which is neutral and polar, with arginine, which is basic and polar, at codon 934 of the CACNA2D2 protein (p.Gln934Arg). This variant is present in population databases (rs191208192, gnomAD 0.1%). This variant has not been reported in the literature in individuals affected with CACNA2D2-related conditions. ClinVar contains an entry for this variant (Variation ID: 240276). Algorithms developed to predict the effect of missense changes on protein structure and function are either unavailable or do not agree on the potential impact of this missense change (SIFT: "Tolerated"; PolyPhen-2: "Probably Damaging"; Align-GVGD: "Class C0"). In summary, the available evidence is currently insufficient to determine the role of this variant in disease. Therefore, it has been classified as a Variant of Uncertain Significance.

Fulgent Genetics
Classification: Uncertain significance for Early infantile epileptic encephalopathy with suppression bursts. Last evaluated: 2018-10-31. Review status: criteria provided, single submitter. Criteria: ACMG Guidelines, 2015. Collection method: clinical testing. Allele origin: unknown.

Literature cited by the submitters: PubMed 31440721 (cited by Athena Diagnostics).

NM_006030.4(CACNA2D2):c.2801A>G (p.Gln934Arg)

Genes: CACNA2D2 (calcium voltage-gated channel auxiliary subunit alpha2delta 2; minus strand), LOC101928965 (uncharacterized LOC101928965; plus strand), LOC127898564 (CYB561D2-LOC101928965; plus strand). Cytogenetic location: 3p21.31.
Variant type: single nucleotide variant.
Coding change: c.2801A>G on transcript NM_006030.4 (MANE Select); coding-DNA position 2801, A replaced by G.
Protein change: p.Gln934Arg; replaces glutamine 934 with arginine.
Molecular consequence: missense variant.
Genome position (GRCh38, 1-based): chr3:50,366,072, T>C on the plus strand (A>G on the coding strand, the complement: CACNA2D2 is on the minus strand). VCF-style: chr3-50366072-T-C. GRCh37 (hg19) VCF-style: chr3-50403503-T-C.
Other names: c.2801A>G, p.Gln934Arg (NM_001005505.3); c.2822A>G, p.Gln941Arg (NM_001174051.3); c.2594A>G, p.Gln865Arg (NM_001291101.1); c.2822A>G (NM_001174051.2, NM_001174051.1); short protein forms Q934R, Q941R, Q865R.
Identifiers: ClinVar variation 240276 (VCV000240276.12), dbSNP rs191208192, ClinGen allele CA2418366.